The following is an entry in ClinVar:

ClinVar aggregate classification (germline): Likely benign. Review status: criteria provided, multiple submitters, no conflicts (2 of 4 stars). 2 submissions from 2 submitters: Likely benign (2). Last evaluated 2025-12-10.

Conditions:
Cohen syndrome (COH1). Also called: PEPPER SYNDROME; Cutis verticis gyrata, retinitis pigmentosa, and sensorineural deafness. Identifiers: Orphanet 193, MedGen C0265223, MONDO:0008999, OMIM 216550.
VPS13B-related disorder. Also called: VPS13B-related condition.

Allele frequency attached by ClinVar (database versions not stated): gnomAD 0.00001; gnomAD exomes 0.00001; TOPMed 0.00002; ExAC 0.00004; ESP Exome Variant Server 0.00008.
gnomAD v4.1: 10 of 1,614,024 alleles (0.00062%); highest among the groups gnomAD compares: Admixed American, 0.012%; no homozygotes.

Submissions (2):

PreventionGenetics, part of Exact Sciences
Classification: Likely benign for VPS13B-related condition. Last evaluated: 2025-12-10. Review status: criteria provided, single submitter. Criteria: ACMG Guidelines, 2015. Collection method: clinical testing. Allele origin: germline.
Comment: This variant is classified as likely benign based on ACMG/AMP sequence variant interpretation guidelines (Richards et al. 2015 PMID: 25741868, with internal and published modifications).

Labcorp Genetics (formerly Invitae), Labcorp
Classification: Likely benign for Cohen syndrome. Last evaluated: 2024-10-15. Review status: criteria provided, single submitter. Criteria: Invitae Variant Classification Sherloc (09022015). Collection method: clinical testing. Allele origin: germline.

NM_152564.5(VPS13B):c.993A>G (p.Gln331=)

Gene: VPS13B (vacuolar protein sorting 13 homolog B; plus strand). Cytogenetic location: 8q22.2.
Variant type: single nucleotide variant.
Coding change: c.993A>G on transcript NM_152564.5 (MANE Select); coding-DNA position 993, A replaced by G.
Protein change: p.Gln331=; no amino-acid change (glutamine 331 retained).
Molecular consequence: synonymous variant. On other transcripts: non-coding transcript variant (1).
Genome position (GRCh38, 1-based): chr8:99,121,232, A>G. VCF-style: chr8-99121232-A-G. GRCh37 (hg19) VCF-style: chr8-100133460-A-G.
Other names: c.993A>G, p.Gln331= (NM_015243.3, NM_017890.5, NM_181661.3).
Identifiers: ClinVar variation 2181228 (VCV002181228.5), dbSNP rs374781096, ClinGen allele CA4822528.
Genomic context (GRCh38, chr8:99,121,232, plus strand): 5'-GATAGGTTCTGAAGATGAAACAAGAATAGATATGCAATATCCTGCTCAGCATAAAGGTCA[A>G]GAGTTATATTCACAGCAAGATGAGGAGCAGCCACAGGGATGGGTGTCATGGGCCTGGTCC-3'
Protein context (NP_689777.3, residues 321-341): DMQYPAQHKG[Gln331=]ELYSQQDEEQ